The following is an entry in ClinVar:

NM_003105.6(SORL1):c.3739G>A (p.Gly1247Ser)

Gene: SORL1 (sortilin related receptor 1; plus strand). Cytogenetic location: 11q24.1.
Variant type: single nucleotide variant.
Coding change: c.3739G>A on transcript NM_003105.6 (MANE Select); coding-DNA position 3739, G replaced by A.
Protein change: p.Gly1247Ser; replaces glycine 1247 with serine.
Molecular consequence: missense variant.
Genome position (GRCh38, 1-based): chr11:121,586,254, G>A. VCF-style: chr11-121586254-G-A. GRCh37 (hg19) VCF-style: chr11-121456963-G-A.
Other names: short protein forms G1247S.
Identifiers: ClinVar variation 4702287 (VCV004702287.1).

ClinVar aggregate classification (germline): Uncertain significance (1 of 4 stars; one submission).

gnomAD v4.1: 6 of 1,613,844 alleles (0.00037%); highest among the groups gnomAD compares: Non-Finnish European, 0.00042%; no homozygotes.

Submission:

Labcorp Genetics (formerly Invitae), Labcorp
Classification: Uncertain significance. Last evaluated: 2025-11-12. Review status: criteria provided, single submitter. Criteria: Invitae Variant Classification Sherloc (09022015). Collection method: clinical testing. Allele origin: germline.
Comment: This sequence change replaces glycine, which is neutral and non-polar, with serine, which is neutral and polar, at codon 1247 of the SORL1 protein (p.Gly1247Ser). This variant is present in population databases (rs367617007, gnomAD 0.0009%). This variant has not been reported in the literature in individuals affected with SORL1-related conditions. An algorithm developed to predict the effect of missense changes on protein structure and function (PolyPhen-2) suggests that this variant is likely to be disruptive. In summary, the available evidence is currently insufficient to determine the role of this variant in disease. Therefore, it has been classified as a Variant of Uncertain Significance.